The following continues an entry in ClinVar:

NM_000059.4(BRCA2):c.7069_7070del (p.Leu2357fs)

Gene: BRCA2. ClinVar aggregate classification (germline): Pathogenic. Pathogenic (1).

Submissions 27 to 38 of 53:

Quest Diagnostics Nichols Institute San Juan Capistrano
Classification: Pathogenic. Last evaluated: 2023-05-08. Review status: criteria provided, single submitter. Criteria: Quest Diagnostics criteria. Collection method: clinical testing. Allele origin: unknown. Not counted in ClinVar's aggregate classification.
Comment: This frameshift variant alters the translational reading frame of the BRCA2 mRNA and causes the premature termination of BRCA2 protein synthesis. The frequency of this variant in the general population, 0.000054 (7/128928 chromosomes), is consistent with pathogenicity. In the published literature, the variant has been reported in individuals with breast cancer (PMID: 9429140 (1997)), ovarian cancer (PMID: 29084914 (2018), 30322717 (2018), 31263571 (2019)), colorectal cancer (PMID: 27978560 (2016)), and pancreatic cancer (PMID: 31948886 (2020), 32853339 (2021)). Based on the available information, this variant is classified as pathogenic.

Victorian Clinical Genetics Services, Murdoch Childrens Research Institute
Classification: Pathogenic for Fanconi anemia complementation group D1. Last evaluated: 2022-06-24. Review status: criteria provided, single submitter. Criteria: ACMG Guidelines, 2015. Collection method: clinical testing. Allele origin: germline. Inheritance: Autosomal recessive inheritance. Not counted in ClinVar's aggregate classification.
Comment: Based on the classification scheme VCGS_Germline_v1.3.4, this variant is classified as Pathogenic. Following criteria are met: 0102 - Loss of function is a known mechanism of disease in this gene and is associated with autosomal dominant BRCA2-related cancer and recessive fanconi anemia, complementation group D1 (MIM#605724). (I) 0108 - This gene is associated with both recessive and dominant disease (OMIM). (I) 0112 - The condition associated with this gene has incomplete penetrance. BRCA2-related cancers are known to have incomplete penetrance (GeneReviews). (I) 0201 - Variant is predicted to cause nonsense-mediated decay (NMD) and loss of protein (premature termination codon is located at least 54 nucleotides upstream of the final exon-exon junction). (SP) 0251 - This variant is heterozygous. (I) 0304 - Variant is present in gnomAD (v2) <0.01 for a condition (7 heterozygotes, 0 homozygotes). (SP) 0701 - Other NMD-predicted variants comparable to the one identified in this case have very strong previous evidence for pathogenicity. These variants have been reported many times as pathogenic (DECIPHER). (SP) 0801 - This variant has strong previous evidence of pathogenicity in unrelated individuals. This variant has been reported many times as pathogenic, and has been observed in individuals with breast, ovarian and colorectal cancers (ClinVar). (I) Legend: (SP) - Supporting pathogenic, (I) - Information, (SB) - Supporting benign

CHEO Genetics Diagnostic Laboratory, Children's Hospital of Eastern Ontario
Classification: Pathogenic for Breast and/or ovarian cancer. Last evaluated: 2021-10-20. Review status: criteria provided, single submitter. Criteria: ACMG Guidelines, 2015. Collection method: clinical testing. Allele origin: germline. Not counted in ClinVar's aggregate classification.

CeGaT Center for Human Genetics Tuebingen
Classification: Pathogenic. Last evaluated: 2021-06-01. Review status: criteria provided, single submitter. Criteria: CeGaT Center For Human Genetics Tuebingen Variant Classification Criteria Version 2. Collection method: clinical testing. Allele origin: germline. Affected: yes. Observed: 3 variant alleles. Not counted in ClinVar's aggregate classification.

Institute of Medical Genetics and Applied Genomics, University Hospital Tübingen
Classification: Pathogenic. Last evaluated: 2020-10-23. Review status: criteria provided, single submitter. Criteria: ACMG Guidelines, 2015. Collection method: clinical testing. Allele origin: germline. Inheritance: Unknown mechanism. Affected: yes. Not counted in ClinVar's aggregate classification.

Genetics and Molecular Pathology, SA Pathology
Classification: Pathogenic for Breast-ovarian cancer, familial, susceptibility to, 2. Last evaluated: 2020-08-10. Review status: criteria provided, single submitter. Criteria: ACMG Guidelines, 2015. Collection method: clinical testing. Allele origin: germline. Affected: yes. Not counted in ClinVar's aggregate classification.

Department of Molecular Diagnostics, Institute of Oncology Ljubljana
Classification: Pathogenic for Breast-ovarian cancer, familial, susceptibility to, 1. Last evaluated: 2020-04-02. Review status: criteria provided, single submitter. Criteria: ACMG Guidelines, 2015. Collection method: clinical testing. Allele origin: germline. Affected: yes. Not counted in ClinVar's aggregate classification.

GeneDx
Classification: Pathogenic. Last evaluated: 2020-03-04. Review status: criteria provided, single submitter. Criteria: GeneDx Variant Classification Process June 2021. Collection method: clinical testing. Allele origin: germline. Affected: yes. Not counted in ClinVar's aggregate classification.
Comment: Observed in multiple individuals with BRCA2-related cancers (Garvin 1997, Zhang 2011, Cunningham 2014, Song 2014, Ellingson 2015, Decker 2016, Afghahi 2017); Frameshift variant predicted to result in protein truncation or nonsense mediated decay in a gene for which loss-of-function is a known mechanism of disease; Truncating variants in this gene are considered pathogenic by a well-established clinical consortium and/or database; Not observed at a significant frequency in large population cohorts (gnomAD); This variant is associated with the following publications: (PMID: 26745875, 24728189, 26681312, 26296701, 29084914, 9429140, 21324516, 24830819, 20104584, 21120943, 27087322, 24504028, 28166811, 28087643, 27978560, 29339979, 30720243, 30322717, 31432501, 31447099, 31263571, 31948886, 32853339, 30787465, 33087929)

Laboratory for Molecular Medicine, Mass General Brigham Personalized Medicine
Classification: Pathogenic for Hereditary breast ovarian cancer syndrome. Last evaluated: 2019-04-24. Review status: criteria provided, single submitter. Criteria: LMM Criteria. Collection method: clinical testing. Allele origin: germline. Inheritance: Autosomal dominant inheritance. Observed: 21 variant alleles. Not counted in ClinVar's aggregate classification.
Comment: The p.Leu2357ValfsX2 variant in BRCA2 has been identified in >30 individuals with BRCA2-associated cancers (Garvin 1997, Spearman 2008, Borg 2010, Caux-Moncoutier 2011, Zhang 2011, Breast Cancer Information Core (BIC) database). This variant has also been identified in 7/12892 European chromosomes by the Genome Aggregation Database (GnomAD); however, this frequency is low enough to be consistent with the frequency of hereditary breast and ovarian cancer (HBOC) in the general population. This variant is predicted to cause a frameshift, which alters the proteinâ€™s amino acid sequence beginning at position 2357 and leads to a premature termination codon 2 amino acids downstream. This alteration is then predicted to lead to a truncated or absent protein. Heterozygous loss of function of the BRCA2 gene is an established disease mechanism in individuals with HBOC. In addition, this variant was classified as Pathogenic on April 22, 2016 by the ClinGen-approved ENIGMA expert panel (ClinVar SCV000282439.1). In summary, this variant meets criteria to be classified as pathogenic for HBOC in an autosomal dominant manner based upon the predicted impact to the protein. ACMG/AMP Criteria applied: PVS1, PS4, PM2.

Human Genome Sequencing Center Clinical Lab, Baylor College of Medicine
Classification: Pathogenic for Familial breast-ovarian cancer 2. Last evaluated: 2018-08-06. Review status: criteria provided, single submitter. Criteria: ACMG Guidelines, 2015. Collection method: clinical testing. Allele origin: germline. Not counted in ClinVar's aggregate classification.
Comment: This c.7069_7070delCT (p.Leu2357Valfs*2) frameshift variant in the BRCA2 gene is predicted to introduce a premature translation termination codon. It has been reported in multiple unrelated patients and families affected with breast cancer [PMID 9429140, 18465347, 21120943, 21324516, 24504028] and is extremely rare in general population. Therefore, this variant in the BRCA2 gene is classified as pathogenic.

Mendelics
Classification: Pathogenic for Hereditary breast and ovarian cancer syndrome. Last evaluated: 2018-07-02. Review status: criteria provided, single submitter. Criteria: Mendelics Assertion Criteria 2017. Collection method: clinical testing. Allele origin: unknown. Not counted in ClinVar's aggregate classification.

Women's Health and Genetics/Laboratory Corporation of America, LabCorp
Classification: Pathogenic for Hereditary breast ovarian cancer syndrome. Last evaluated: 2017-08-07. Review status: criteria provided, single submitter. Criteria: LabCorp Variant Classification Summary - May 2015. Collection method: clinical testing. Allele origin: germline. Not counted in ClinVar's aggregate classification.
Comment: Variant summary: The BRCA2 c.7069_7070delCT (p.Leu2357Valfs) variant results in a premature termination codon, predicted to cause a truncated or absent BRCA2 protein due to nonsense mediated decay, which are commonly known mechanisms for disease. Truncations downstream of this position have been classified as pathogenic by our laboratory (e.g., c.7133C>G [p.Ser2378X], c.7180A>T [p.Arg2394X], and c.7360delA [p.Ile2454fs). One in silico tool predicts a damaging outcome for this variant. This variant was found in the large control database ExAC at a frequency of 0.000033 (4/121100 control chromosomes), which does not exceed the estimated maximal expected allele frequency of a pathogenic BRCA2 variant (0.0007503). The variant has been identified in numerous patients in published reports (e.g., Thomassen_Acta Oncol_2008). In addition, multiple clinical diagnostic laboratories/reputable databases classified this variant as pathogenic. Taken together, this variant is classified as pathogenic.